The following is an entry in ClinVar:

NM_005732.4(RAD50):c.2929G>T (p.Glu977Ter)

Gene: RAD50 (RAD50 double strand break repair protein; plus strand). Cytogenetic location: 5q31.1.
Variant type: single nucleotide variant.
Coding change: c.2929G>T on transcript NM_005732.4 (MANE Select); coding-DNA position 2929, G replaced by T.
Protein change: p.Glu977Ter; replaces glutamic acid 977 with a stop codon.
Molecular consequence: nonsense.
Genome position (GRCh38, 1-based): chr5:132,609,289, G>T. VCF-style: chr5-132609289-G-T. GRCh37 (hg19) VCF-style: chr5-131944981-G-T.
Other names: short protein forms E977*.
Identifiers: ClinVar variation 527346 (VCV000527346.7), dbSNP rs1554099388, ClinGen allele CA360960239.

ClinVar aggregate classification (germline): Pathogenic (1 of 4 stars; one submission).

Conditions:
Hereditary cancer-predisposing syndrome. Also called: Neoplastic Syndromes, Hereditary; Tumor predisposition; Hereditary Cancer Syndrome; Hereditary neoplastic syndrome. Identifiers: Orphanet 140162, MedGen C0027672, MeSH D009386, MONDO:0015356.

Submission:

Labcorp Genetics (formerly Invitae), Labcorp
Classification: Pathogenic for Hereditary cancer-predisposing syndrome. Last evaluated: 2025-07-31. Review status: criteria provided, single submitter. Criteria: Invitae Variant Classification Sherloc (09022015). Collection method: clinical testing. Allele origin: germline.
Comment: This sequence change creates a premature translational stop signal (p.Glu977*) in the RAD50 gene. It is expected to result in an absent or disrupted protein product. Loss-of-function variants in RAD50 are known to be pathogenic (PMID: 19409520). This variant is not present in population databases (gnomAD no frequency). This variant has not been reported in the literature in individuals affected with RAD50-related conditions. ClinVar contains an entry for this variant (Variation ID: 527346). For these reasons, this variant has been classified as Pathogenic.

Literature cited by the submitters: PubMed 19409520.